The following is an entry in ClinVar:

ClinVar aggregate classification (germline): Uncertain significance (1 of 4 stars; one submission).

Allele frequency attached by ClinVar (database versions not stated): TOPMed below 0.00001; ExAC 0.00001; gnomAD exomes 0.00001; gnomAD 0.00002.
gnomAD v4.1: 18 of 1,613,998 alleles (0.0011%); highest among the groups gnomAD compares: East Asian, 0.0067%; no homozygotes.

Submission:

GeneDx
Classification: Uncertain significance. Last evaluated: 2020-05-21. Review status: criteria provided, single submitter. Criteria: GeneDx Variant Classification Process June 2021. Collection method: clinical testing. Allele origin: germline. Affected: yes.
Comment: In silico analysis, which includes protein predictors and evolutionary conservation, supports a deleterious effect; Has not been previously published as pathogenic or benign to our knowledge

NM_001797.4(CDH11):c.2024C>G (p.Ala675Gly)

Gene: CDH11 (cadherin 11; minus strand). Cytogenetic location: 16q21.
Variant type: single nucleotide variant.
Coding change: c.2024C>G on transcript NM_001797.4 (MANE Select); coding-DNA position 2024, C replaced by G.
Protein change: p.Ala675Gly; replaces alanine 675 with glycine.
Molecular consequence: missense variant. On other transcripts: 3 prime UTR variant (1).
Genome position (GRCh38, 1-based): chr16:64,947,970, G>C on the plus strand (C>G on the coding strand, the complement: CDH11 is on the minus strand). VCF-style: chr16-64947970-G-C. GRCh37 (hg19) VCF-style: chr16-64981873-G-C.
Other names: c.*121C>G (NM_001308392.2); c.1646C>G, p.Ala549Gly (NM_001330576.2); short protein forms A549G, A675G.
Identifiers: ClinVar variation 1304761 (VCV001304761.2), dbSNP rs776609272, ClinGen allele CA8091879.
Genomic context (GRCh38, chr16:64,947,970, plus strand): 5'-TCTTTGCGGGGGATAAATCCATTGATACCATCAGGATTCTGGAGGGTGGCAATATCAAAG[G>C]CTTCTGTGTCTTCTTCCCCACCCCCTTCATCATCATAAGTAATGATGTTCTCACGGACAT-3'
Protein context (NP_001788.2, residues 665-685): DEGGGEEDTE[Ala675Gly]FDIATLQNPD